The following is an entry in ClinVar:

ClinVar aggregate classification (germline): Uncertain significance. Review status: criteria provided, multiple submitters, no conflicts (2 of 4 stars). 2 submissions from 2 submitters: Uncertain significance (2). Last evaluated 2025-12-02.

Conditions:
Inborn genetic diseases. Identifiers: MedGen C0950123, MeSH D030342.

Submissions (2):

Ambry Genetics
Classification: Uncertain significance for Inborn genetic diseases. Last evaluated: 2025-12-02. Review status: criteria provided, single submitter. Criteria: Ambry Variant Classification Scheme 2023. Collection method: clinical testing. Allele origin: germline.

Labcorp Genetics (formerly Invitae), Labcorp
Classification: Uncertain significance. Last evaluated: 2025-02-25. Review status: criteria provided, single submitter. Criteria: Invitae Variant Classification Sherloc (09022015). Collection method: clinical testing. Allele origin: germline.
Comment: This sequence change replaces valine, which is neutral and non-polar, with phenylalanine, which is neutral and non-polar, at codon 496 of the CLCN7 protein (p.Val496Phe). This variant is not present in population databases (gnomAD no frequency). This variant has not been reported in the literature in individuals affected with CLCN7-related conditions. Invitae Evidence Modeling of protein sequence and biophysical properties (such as structural, functional, and spatial information, amino acid conservation, physicochemical variation, residue mobility, and thermodynamic stability) indicates that this missense variant is not expected to disrupt CLCN7 protein function with a negative predictive value of 95%. In summary, the available evidence is currently insufficient to determine the role of this variant in disease. Therefore, it has been classified as a Variant of Uncertain Significance.

NM_001287.6(CLCN7):c.1486G>T (p.Val496Phe)

Gene: CLCN7 (chloride voltage-gated channel 7; minus strand). Cytogenetic location: 16p13.3.
Variant type: single nucleotide variant.
Coding change: c.1486G>T on transcript NM_001287.6 (MANE Select); coding-DNA position 1486, G replaced by T.
Protein change: p.Val496Phe; replaces valine 496 with phenylalanine.
Molecular consequence: missense variant.
Genome position (GRCh38, 1-based): chr16:1,450,628, C>A on the plus strand (G>T on the coding strand, the complement: CLCN7 is on the minus strand). VCF-style: chr16-1450628-C-A. GRCh37 (hg19) VCF-style: chr16-1500629-C-A.
Other names: c.1414G>T, p.Val472Phe (NM_001114331.3); short protein forms V496F, V472F.
Identifiers: ClinVar variation 4615917 (VCV004615917.2).